The following is an entry in ClinVar:

NC_000017.11:g.52872255_53236993del

Genes: LINC02089 (long intergenic non-protein coding RNA 2089; plus strand), LINC02876 (long intergenic non-protein coding RNA 2876; plus strand). Cytogenetic location: 17q22.
Variant type: Deletion.
Identifiers: ClinVar variation 157394 (VCV000157394.3).

ClinVar aggregate classification (germline): not provided. Review status: no classification provided (0 of 4 stars). 2 submissions from 1 submitter: not provided (2).

Conditions:
Preeclampsia. Identifiers: Orphanet 275555, MedGen C0032914, MONDO:0005081, HP:0100602.
Gestational diabetes mellitus uncontrolled. Identifiers: MedGen C3532257.

Submissions (2):

Institute of Molecular and Cell Biology, University of Tartu
No classification provided. Condition: Preeclampsia. Review status: no classification provided. Collection method: case-control. Allele origin: unknown. Affected: yes. Study: Kasak2014.
Comment: The study aimed to determine the contribution of copy number variants in the genetic etiology of normal and complicated pregnancies. The samples represented (i) maternal blood DNA drawn from healthy pregnant women during 1st or 2nd trimester and (ii) maternal and paternal blood DNA drawn at term pregnancy cases representing normal and complicated gestations (severe preeclampsia, PE; gestational diabetes, GD; small-for-gestational age newborn, SGA; large-for-gestational age newborn, LGA). We performed CNV calling based on genome-wide genotyping dataset (Illumina HumanOmniExpress-24-v1 BeadChip) by applying three algorithms, QuantiSNP, GADA (Genome Alteration Detection Algorithm) and CNstream in parallel. The acquired CNV calls were merged with HD-CNV (Hotspot Detector for Copy Number Variants) program and only the CNVs predicted by at least two programs, were considered in subsequent analysis.

Institute of Molecular and Cell Biology, University of Tartu
No classification provided. Condition: Gestational diabetes mellitus uncontrolled. Review status: no classification provided. Collection method: case-control. Allele origin: unknown. Affected: yes. Study: Kasak2014.
Comment: the same text as in the submission from Institute of Molecular and Cell Biology, University of Tartu above.

Literature cited by the submitters: PubMed 25666259.